The following is an entry in ClinVar:

NM_001042492.3(NF1):c.3557T>C (p.Ile1186Thr)

Gene: NF1 (neurofibromin 1; plus strand). Cytogenetic location: 17q11.2.
Variant type: single nucleotide variant.
Coding change: c.3557T>C on transcript NM_001042492.3 (MANE Select); coding-DNA position 3557, T replaced by C.
Protein change: p.Ile1186Thr; replaces isoleucine 1186 with threonine.
Molecular consequence: missense variant.
Genome position (GRCh38, 1-based): chr17:31,233,062, T>C. VCF-style: chr17-31233062-T-C. GRCh37 (hg19) VCF-style: chr17-29560080-T-C.
Other names: c.3557T>C, p.Ile1186Thr (NM_000267.4); short protein forms I1186T.
Identifiers: ClinVar variation 1732647 (VCV001732647.4), dbSNP rs1391846217, ClinGen allele CA398990029.
Genomic context (GRCh38, chr17:31,233,062, plus strand): 5'-GCTTAGGTTACCACAAGGATCTCCAGACAAGAGCTACATTTATGGAAGTTCTGACAAAAA[T>C]CCTTCAACAAGGCACAGAATTTGACACACTTGCAGAAACAGTATTGGCTGATCGGTTTGA-3'
Protein context (NP_001035957.1, residues 1176-1196): RATFMEVLTK[Ile1186Thr]LQQGTEFDTL

ClinVar aggregate classification (germline): Uncertain significance. Review status: criteria provided, multiple submitters, no conflicts (2 of 4 stars). 2 submissions from 2 submitters: Uncertain significance (2). Last evaluated 2024-02-26.

Conditions:
Cardiovascular phenotype. Identifiers: MedGen CN230736.
Hereditary cancer-predisposing syndrome. Also called: Neoplastic Syndromes, Hereditary; Tumor predisposition; Hereditary Cancer Syndrome; Hereditary neoplastic syndrome. Identifiers: Orphanet 140162, MedGen C0027672, MeSH D009386, MONDO:0015356.
Neurofibromatosis, type 1 (NF1). Also called: VON RECKLINGHAUSEN DISEASE; NEUROFIBROMATOSIS, TYPE I, SOMATIC; Neurofibromatosis, type I; Peripheral type neurofibromatosis. Identifiers: Orphanet 636, MedGen C0027831, MONDO:0018975, OMIM 162200. Disease mechanism: loss of function.

Allele frequency attached by ClinVar (database versions not stated): TOPMed below 0.00001; gnomAD 0.00001.
gnomAD v4.1: 1 of 1,614,056 alleles (0.000062%); highest among the groups gnomAD compares: Non-Finnish European, 0.000085%; no homozygotes.

Submissions (2):

Labcorp Genetics (formerly Invitae), Labcorp
Classification: Uncertain significance for Neurofibromatosis, type 1. Last evaluated: 2024-02-26. Review status: criteria provided, single submitter. Criteria: Invitae Variant Classification Sherloc (09022015). Collection method: clinical testing. Allele origin: germline.
Comment: This sequence change replaces isoleucine, which is neutral and non-polar, with threonine, which is neutral and polar, at codon 1186 of the NF1 protein (p.Ile1186Thr). This variant is not present in population databases (gnomAD no frequency). This variant has not been reported in the literature in individuals affected with NF1-related conditions. ClinVar contains an entry for this variant (Variation ID: 1732647). Advanced modeling of protein sequence and biophysical properties (such as structural, functional, and spatial information, amino acid conservation, physicochemical variation, residue mobility, and thermodynamic stability) performed at Invitae indicates that this missense variant is expected to disrupt NF1 protein function with a positive predictive value of 95%. In summary, the available evidence is currently insufficient to determine the role of this variant in disease. Therefore, it has been classified as a Variant of Uncertain Significance.

Ambry Genetics
Classification: Uncertain significance for Cardiovascular phenotype; Hereditary cancer-predisposing syndrome. Last evaluated: 2021-12-07. Review status: criteria provided, single submitter. Criteria: Ambry Variant Classification Scheme 2023. Collection method: clinical testing. Allele origin: germline.
Comment: The p.I1186T variant (also known as c.3557T>C), located in coding exon 27 of the NF1 gene, results from a T to C substitution at nucleotide position 3557. The isoleucine at codon 1186 is replaced by threonine, an amino acid with similar properties. This amino acid position is highly conserved in available vertebrate species. In addition, this alteration is predicted to be deleterious by in silico analysis. Since supporting evidence is limited at this time, the clinical significance of this alteration remains unclear.